The following is an entry in ClinVar:

ClinVar aggregate classification (germline): Uncertain significance (1 of 4 stars; one submission).

Conditions:
Hereditary cancer-predisposing syndrome. Also called: Neoplastic Syndromes, Hereditary; Tumor predisposition; Hereditary neoplastic syndrome; Hereditary Cancer Syndrome. Identifiers: Orphanet 140162, MedGen C0027672, MeSH D009386, MONDO:0015356.

Submission:

Ambry Genetics
Classification: Uncertain significance for Hereditary cancer-predisposing syndrome. Last evaluated: 2025-05-23. Review status: criteria provided, single submitter. Criteria: Ambry Variant Classification Scheme 2023. Collection method: clinical testing. Allele origin: germline.
Comment: The c.2141+5G>C intronic variant results from a G to C substitution 5 nucleotides after coding exon 14 in the KIT gene. This nucleotide position is highly conserved in available vertebrate species. In silico splice site analysis predicts that this alteration will not have any significant effect on splicing. Based on the available evidence, the clinical significance of this variant remains unclear.

NM_000222.3(KIT):c.2141+5G>C

Gene: KIT (KIT proto-oncogene, receptor tyrosine kinase; plus strand). Cytogenetic location: 4q12.
Variant type: single nucleotide variant.
Coding change: c.2141+5G>C on transcript NM_000222.3 (MANE Select); 5 bases into the intron after coding-DNA position 2141, G replaced by C.
Molecular consequence: intron variant.
Genome position (GRCh38, 1-based): chr4:54,729,490, G>C. VCF-style: chr4-54729490-G-C. GRCh37 (hg19) VCF-style: chr4-55595656-G-C.
Other names: c.2144+5G>C (NM_001385284.1, NM_001385290.1); c.2132+5G>C (NM_001385288.1, NM_001385292.1); c.2141+5G>C (NM_001385285.1); c.2129+5G>C (NM_001093772.2, NM_001385286.1).
Identifiers: ClinVar variation 4043746 (VCV004043746.1).